The following is an entry in ClinVar:

ClinVar aggregate classification (germline): Benign (0 of 4 stars; one submission).

Conditions:
THBS2-related disorder. Also called: THBS2-related condition.

Allele frequency attached by ClinVar (database versions not stated): gnomAD exomes 0.58113; ExAC 0.61221; gnomAD 0.67455; ESP Exome Variant Server 0.68991; TOPMed 0.69525; 1000 Genomes Project 0.70188; 1000 Genomes Project 30x 0.70394.
gnomAD v4.1: 950,117 of 1,606,948 alleles (59%); highest among the groups gnomAD compares: African/African-American, 92%; 286,323 homozygotes.

Submission:

PreventionGenetics, part of Exact Sciences
Classification: Benign for THBS2-related condition. Last evaluated: 2024-03-29. Review status: no assertion criteria provided. Collection method: clinical testing. Allele origin: germline.
Comment: This variant is classified as benign based on ACMG/AMP sequence variant interpretation guidelines (Richards et al. 2015 PMID: 25741868, with internal and published modifications).

NM_003247.5(THBS2):c.2152-9C>T

Genes: THBS2 (thrombospondin 2; minus strand), THBS2-AS1 (THBS2 antisense RNA 1; plus strand). Cytogenetic location: 6q27.
Variant type: single nucleotide variant.
Coding change: c.2152-9C>T on transcript NM_003247.5 (MANE Select); 9 bases into the intron before coding-DNA position 2152, C replaced by T.
Molecular consequence: intron variant.
Genome position (GRCh38, 1-based): chr6:169,229,688, G>A on the plus strand (C>T on the coding strand, the complement: THBS2 is on the minus strand). VCF-style: chr6-169229688-G-A. GRCh37 (hg19) VCF-style: chr6-169629783-G-A.
Other names: c.1978-9C>T (NM_001381939.1); c.1921-9C>T (NM_001381942.1).
Identifiers: ClinVar variation 3059455 (VCV003059455.2), dbSNP rs6422747, ClinGen allele CA4103070.